The following is an entry in ClinVar:

NM_001173464.2(KIF21A):c.4044A>G (p.Lys1348=)

Gene: KIF21A (kinesin family member 21A; minus strand). Cytogenetic location: 12q12.
Variant type: single nucleotide variant.
Coding change: c.4044A>G on transcript NM_001173464.2 (MANE Select); coding-DNA position 4044, A replaced by G.
Protein change: p.Lys1348=; no amino-acid change (lysine 1348 retained).
Molecular consequence: synonymous variant.
Genome position (GRCh38, 1-based): chr12:39,311,469, T>C on the plus strand (A>G on the coding strand, the complement: KIF21A is on the minus strand). VCF-style: chr12-39311469-T-C. GRCh37 (hg19) VCF-style: chr12-39705271-T-C.
Other names: c.3933A>G, p.Lys1311= (NM_001173463.2); c.3885A>G, p.Lys1295= (NM_001173465.2); c.4005A>G, p.Lys1335= (NM_017641.4).
Identifiers: ClinVar variation 308554 (VCV000308554.10), dbSNP rs201297981, ClinGen allele CA6510296.

ClinVar aggregate classification (germline): Benign/Likely benign. Review status: criteria provided, multiple submitters, no conflicts (2 of 4 stars). 3 submissions from 3 submitters: Benign (2); Likely benign (1). Last evaluated 2024-06-17.

Conditions:
Congenital fibrosis of extraocular muscles type 1. Also called: OPHTHALMOPLEGIA, CONGENITAL; CFEOM3B; BLEPHAROPTOSIS WITH ABSENT EYE MOVEMENTS; FEOM1 LOCUS. Identifiers: MedGen C1851102, MONDO:0021083, OMIM 135700.

Allele frequency attached by ClinVar (database versions not stated): gnomAD exomes 0.00012 and 0.00063; gnomAD 0.00022 and 0.00026; TOPMed 0.00038; ExAC 0.00052; 1000 Genomes Project 0.00140; 1000 Genomes Project 30x 0.00141.
gnomAD v4.1: 226 of 1,613,218 alleles (0.014%); highest among the groups gnomAD compares: East Asian, 0.42%; no homozygotes.

Submissions (3):

Blueprint Genetics
Classification: Likely benign. Last evaluated: 2024-06-17. Review status: criteria provided, single submitter. Criteria: ACMG Guidelines, 2015. Collection method: clinical testing. Allele origin: germline.

Labcorp Genetics (formerly Invitae), Labcorp
Classification: Benign. Last evaluated: 2019-12-31. Review status: criteria provided, single submitter. Criteria: Invitae Variant Classification Sherloc (09022015). Collection method: clinical testing. Allele origin: germline.

Illumina Laboratory Services, Illumina
Classification: Benign for Congenital fibrosis of extraocular muscles type 1. Last evaluated: 2018-01-13. Review status: criteria provided, single submitter. Criteria: ICSL Variant Classification Criteria 13 December 2019. Collection method: clinical testing. Allele origin: germline.
Comment: This variant was observed in the ICSL laboratory as part of a predisposition screen in an ostensibly healthy population. It had not been previously curated by ICSL or reported in the Human Gene Mutation Database (HGMD: prior to June 1st, 2018), and was therefore a candidate for classification through an automated scoring system. Utilizing variant allele frequency, disease prevalence and penetrance estimates, and inheritance mode, an automated score was calculated to assess if this variant is too frequent to cause the disease. Based on the score and internal cut-off values, a variant classified as benign is not then subjected to further curation. The score for this variant resulted in a classification of benign for this disease.